The following is an entry in ClinVar:

ClinVar aggregate classification (germline): Benign (1 of 4 stars; one submission).

Allele frequency attached by ClinVar (database versions not stated): gnomAD 0.00052; gnomAD exomes 0.00071; 1000 Genomes Project 0.00080; TOPMed 0.00084; 1000 Genomes Project 30x 0.00109.
gnomAD v4.1: 273 of 398,258 alleles (0.069%); highest among the groups gnomAD compares: Middle Eastern, 1.2%; 1 homozygote.

Submission:

CeGaT Center for Human Genetics Tuebingen
Classification: Benign. Last evaluated: 2026-07-01. Review status: criteria provided, single submitter. Criteria: CeGaT Center For Human Genetics Tuebingen Variant Classification Criteria Version 2. Collection method: clinical testing. Allele origin: germline. Affected: yes. Observed: 18 variant alleles.
Comment: KCNQ1OT1: BS1, BS2

NM_000218.3(KCNQ1):c.1394-11893C>T

Genes: KCNQ1 (potassium voltage-gated channel subfamily Q member 1; plus strand), KCNQ1OT1 (KCNQ1 opposite strand/antisense transcript 1; minus strand). Cytogenetic location: 11p15.5.
Variant type: single nucleotide variant.
Coding change: c.1394-11893C>T on transcript NM_000218.3 (MANE Select); 11893 bases into the intron before coding-DNA position 1394, C replaced by T.
Molecular consequence: intron variant.
Genome position (GRCh38, 1-based): chr11:2,650,068, C>T. VCF-style: chr11-2650068-C-T. GRCh37 (hg19) VCF-style: chr11-2671298-C-T.
Other names: c.1124-11893C>T (NM_001406837.1); c.1298-11893C>T (NM_001406836.1); c.854-11893C>T (NM_001406838.1); c.1013-11893C>T (NM_181798.2).
Identifiers: ClinVar variation 2498488 (VCV002498488.28), dbSNP rs183784012, ClinGen allele CA216162062.